The following is an entry in ClinVar:

ClinVar aggregate classification (germline): Conflicting classifications of pathogenicity. Review status: criteria provided, conflicting classifications (1 of 4 stars). 10 submissions from 10 submitters: Pathogenic (8); Likely pathogenic (1); Uncertain significance (1). Last evaluated 2025-01-05.

Conditions:
RYR1-related disorder. Also called: RYR1-related condition; RYR1-related disorders. Identifiers: MedGen CN239331.
Congenital multicore myopathy with external ophthalmoplegia (CMYO1B). Also called: Minicore myopathy with external ophthalmoplegia; MULTIMINICORE DISEASE WITH EXTERNAL OPHTHALMOPLEGIA; Congenital myopathy 1B, autosomal recessive; Minicore myopathy; MULTICORE MYOPATHY. Identifiers: Orphanet 598, Orphanet 98905, MedGen C1850674, MONDO:0009712, OMIM 255320, HP:0003789.
Central core myopathy (CMYO1A). Also called: Central core disease; Myopathy, central fibrillar; CONGENITAL MYOPATHY 1A, AUTOSOMAL DOMINANT, WITH SUSCEPTIBILITY TO MALIGNANT HYPERTHERMIA. Identifiers: Orphanet 597, MedGen C5830701, MONDO:0007294, OMIM 117000.
Malignant hyperthermia, susceptibility to, 1 (MHS1). Also called: RYR1-Related Malignant Hyperthermia Susceptibility; Malignant hyperthermia suceptibility 1; Anesthesia related hyperthermia; Malignant hyperpyrexia; Fulminating hyperpyrexia; Pharmacogenic myopathy. Identifiers: Orphanet 423, MedGen C2930980, MONDO:0007783, OMIM 145600.
Myopathy. Identifiers: MedGen C0026848, MeSH D009135, MONDO:0005336, HP:0003198.

Submissions (10):

GeneDx
Classification: Pathogenic. Last evaluated: 2025-01-05. Review status: criteria provided, single submitter. Criteria: GeneDx Variant Classification Process June 2021. Collection method: clinical testing. Allele origin: germline. Affected: yes.
Comment: Identified in an individual from a large study of pediatric patients undergoing clinical exome sequencing and in an individual with myopathy, however detailed clinical information was not provided for either individual (PMID: 34691145, 32371413); Frameshift variant predicted to result in protein truncation or nonsense mediated decay in a gene for which loss of function is a known mechanism of disease; Not observed at significant frequency in large population cohorts (gnomAD); This variant is associated with the following publications: (PMID: 38136118, 32371413, 39409197, 34691145)

Blueprint Genetics
Classification: Pathogenic for RYR1-related disorders. Last evaluated: 2024-07-05. Review status: criteria provided, single submitter. Criteria: ACMG Guidelines, 2015. Collection method: clinical testing. Allele origin: germline. Affected: yes. Observed: 5 variant alleles.

Labcorp Genetics (formerly Invitae), Labcorp
Classification: Pathogenic for RYR1-related disorder. Last evaluated: 2024-03-30. Review status: criteria provided, single submitter. Criteria: Invitae Variant Classification Sherloc (09022015). Collection method: clinical testing. Allele origin: germline.
Comment: This sequence change creates a premature translational stop signal (p.Pro836Leufs*48) in the RYR1 gene. It is expected to result in an absent or disrupted protein product. Loss-of-function variants in RYR1 are known to be pathogenic (PMID: 23919265, 25960145, 28818389, 30611313). This variant is present in population databases (rs797045932, gnomAD 0.01%). This variant has not been reported in the literature in individuals affected with RYR1-related conditions. ClinVar contains an entry for this variant (Variation ID: 212099). For these reasons, this variant has been classified as Pathogenic.

Color Diagnostics, LLC DBA Color Health
Classification: Uncertain significance for Malignant hyperthermia, susceptibility to, 1. Last evaluated: 2024-03-07. Review status: criteria provided, single submitter. Criteria: ACMG Guidelines, 2015. Collection method: clinical testing. Allele origin: germline.
Comment: This variant changes 1 nucleotide in exon 3 of the RYR1 gene, creating a premature translation stop signal. This variant is expected to result in an absent or non-functional protein product. This variant has not been reported in individuals affected with malignant hyperthermia susceptibility in the literature. This variant has been identified in 2/251252 chromosomes in the general population by the Genome Aggregation Database (gnomAD). Loss of RYR1 function due to haploinsufficiency is not an established disease mechanism for autosomal dominant malignant hyperthermia, although it is associated with other phenotypes (ClinVar Variation ID: 212099). Due to insufficient evidence, this variant is classified as a Variant of Uncertain Significance for autosomal dominant malignant hyperthermia.

Laboratory of Medical Genetics, National & Kapodistrian University of Athens
Classification: Likely pathogenic for Congenital multicore myopathy with external ophthalmoplegia. Last evaluated: 2023-04-26. Review status: criteria provided, single submitter. Criteria: ACMG Guidelines, 2015. Collection method: clinical testing. Allele origin: paternal. Affected: yes.
Comment: PM2, PM3, PP2, PP3, PP5

Revvity Omics, Revvity
Classification: Pathogenic. Last evaluated: 2020-10-02. Review status: criteria provided, single submitter. Criteria: ACMG Guidelines, 2015. Collection method: clinical testing. Allele origin: germline.

Institute for Genomic Medicine (IGM) Clinical Laboratory, Nationwide Children's Hospital
Classification: Pathogenic for Congenital multicore myopathy with external ophthalmoplegia; Central core myopathy. Last evaluated: 2017-05-10. Review status: criteria provided, single submitter. Criteria: ACMG Guidelines, 2015. Collection method: clinical testing. Allele origin: germline. Affected: yes.
Comment: [ACMG/AMP: PVS1, PM2, PP5] This alteration is a null variant in a gene where LOF is a known mechanism of disease [PVS1], is absent from or rarely observed in large-scale population databases [PM2], was reported as a pathogenic/likely pathogenic alteration by a reputable source (ClinVar or other correspondence from a clinical testing laboratory) [PP5].

Eurofins Ntd Llc (ga)
Classification: Pathogenic. Last evaluated: 2015-08-24. Review status: criteria provided, single submitter. Criteria: EGL Classification Definitions 2015. Collection method: clinical testing. Allele origin: germline. Observed: 2 variant alleles, 2 heterozygotes.

Genetic Services Laboratory, University of Chicago
Classification: Pathogenic for Myopathy. Last evaluated: 2015-07-17. Review status: criteria provided, single submitter. Criteria: ACMG Guidelines, 2015. Collection method: clinical testing. Allele origin: germline. Affected: yes.

Clinical Genetics Service, Universitary Hospital 12 de Octubre
Classification: Pathogenic for Congenital multicore myopathy with external ophthalmoplegia. Review status: criteria provided, single submitter. Criteria: ACMG Guidelines, 2015. Collection method: clinical testing. Allele origin: germline. Affected: yes.

Literature cited by the submitters: PubMed 23919265 (cited by Labcorp Genetics (formerly Invitae), Labcorp); PubMed 25960145 (cited by Labcorp Genetics (formerly Invitae), Labcorp); PubMed 28818389 (cited by Labcorp Genetics (formerly Invitae), Labcorp); PubMed 30611313 (cited by Labcorp Genetics (formerly Invitae), Labcorp).

NM_000540.3(RYR1):c.2505del (p.Pro836fs)

Gene: RYR1 (ryanodine receptor 1; plus strand). Cytogenetic location: 19q13.2.
Variant type: Deletion.
Coding change: c.2505del on transcript NM_000540.3 (MANE Select); coding-DNA position 2505, one base deleted (G; older notation c.2505delG).
Protein change: p.Pro836fs; shifts the reading frame from proline 836.
Molecular consequence: frameshift variant.
Genome position (GRCh38, 1-based): chr19:38,460,519, G deleted; the last of 5 consecutive G bases (chr19:38,460,515-38,460,519); deleting any one gives the same sequence. VCF-style (leftmost placement, unchanged base first): chr19-38460514-CG-C. GRCh37 (hg19) VCF-style: chr19-38951154-CG-C.
Other names: c.2505del, p.Pro836fs (NM_001042723.2); c.2505delG (NM_000540.2); short protein forms P836fs.
Identifiers: ClinVar variation 212099 (VCV000212099.34), dbSNP rs797045932, ClinGen allele CA207578.